The following is an entry in ClinVar:

ClinVar aggregate classification (germline): Uncertain significance (1 of 4 stars; one submission).

Conditions:
Amyotrophic lateral sclerosis type 8 (ALS8). Identifiers: Orphanet 803, MedGen C1837728, MONDO:0012077, OMIM 608627.
Adult-onset proximal spinal muscular atrophy, autosomal dominant. Also called: FINKEL LATE-ADULT TYPE SMA; Spinal muscular atrophy, late-onset, finkel type. Identifiers: Orphanet 209335, MedGen C1854058, MONDO:0008453, OMIM 182980.

Allele frequency attached by ClinVar (database versions not stated): gnomAD exomes below 0.00001.
gnomAD v4.1: 2 of 1,613,600 alleles (0.00012%); highest among the groups gnomAD compares: Non-Finnish European, 0.00017%; no homozygotes.

Submission:

Labcorp Genetics (formerly Invitae), Labcorp
Classification: Uncertain significance for Adult-onset proximal spinal muscular atrophy, autosomal dominant; Amyotrophic lateral sclerosis type 8. Last evaluated: 2024-12-02. Review status: criteria provided, single submitter. Criteria: Invitae Variant Classification Sherloc (09022015). Collection method: clinical testing. Allele origin: germline.
Comment: This sequence change replaces asparagine, which is neutral and polar, with tyrosine, which is neutral and polar, at codon 129 of the VAPB protein (p.Asn129Tyr). This variant is not present in population databases (gnomAD no frequency). This variant has not been reported in the literature in individuals affected with VAPB-related conditions. ClinVar contains an entry for this variant (Variation ID: 2933998). Invitae Evidence Modeling of protein sequence and biophysical properties (such as structural, functional, and spatial information, amino acid conservation, physicochemical variation, residue mobility, and thermodynamic stability) indicates that this missense variant is expected to disrupt VAPB protein function with a positive predictive value of 80%. In summary, the available evidence is currently insufficient to determine the role of this variant in disease. Therefore, it has been classified as a Variant of Uncertain Significance.

NM_004738.5(VAPB):c.385A>T (p.Asn129Tyr)

Gene: VAPB (VAMP associated protein B and C; plus strand). Cytogenetic location: 20q13.32.
Variant type: single nucleotide variant.
Coding change: c.385A>T on transcript NM_004738.5 (MANE Select); coding-DNA position 385, A replaced by T.
Protein change: p.Asn129Tyr; replaces asparagine 129 with tyrosine.
Molecular consequence: missense variant. On other transcripts: intron variant (1).
Genome position (GRCh38, 1-based): chr20:58,439,014, A>T. VCF-style: chr20-58439014-A-T. GRCh37 (hg19) VCF-style: chr20-57014070-A-T.
Other names: c.212-5063A>T (NM_001195677.2); short protein forms N129Y.
Identifiers: ClinVar variation 2933998 (VCV002933998.3), dbSNP rs2516062208, ClinGen allele CA409439457.